The following is an entry in ClinVar:

NM_001035.3(RYR2):c.8000C>G (p.Pro2667Arg)

Gene: RYR2 (ryanodine receptor 2; plus strand). Cytogenetic location: 1q43.
Variant type: single nucleotide variant.
Coding change: c.8000C>G on transcript NM_001035.3 (MANE Select); coding-DNA position 8000, C replaced by G.
Protein change: p.Pro2667Arg; replaces proline 2667 with arginine.
Molecular consequence: missense variant.
Genome position (GRCh38, 1-based): chr1:237,655,855, C>G. VCF-style: chr1-237655855-C-G. GRCh37 (hg19) VCF-style: chr1-237819155-C-G.
Other names: short protein forms P2667R.
Identifiers: ClinVar variation 847406 (VCV000847406.12), dbSNP rs1683196054, ClinGen allele CA345400790.
Genomic context (GRCh38, chr1:237,655,855, plus strand): 5'-TTTTTTTGGTCCTCCATTTTTCCCAGAAATATGAACAAGAACTTTTCAAACTGGCACTGC[C>G]TTGCCTGAGTGCAGTTGCGGGAGCTTTGCCTCCAGACTACATGGAGTCAAATTATGTCAG-3'
Protein context (NP_001026.2, residues 2657-2677): YEQELFKLAL[Pro2667Arg]CLSAVAGALP

ClinVar aggregate classification (germline): Uncertain significance. Review status: criteria provided, multiple submitters, no conflicts (2 of 4 stars). 2 submissions from 2 submitters: Uncertain significance (2). Last evaluated 2025-11-18.

Conditions:
Cardiovascular phenotype. Identifiers: MedGen CN230736.
Catecholaminergic polymorphic ventricular tachycardia 1. Also called: VENTRICULAR TACHYCARDIA, CATECHOLAMINERGIC POLYMORPHIC, 1, WITH OR WITHOUT ATRIAL DYSFUNCTION AND/OR DILATED CARDIOMYOPATHY; VENTRICULAR TACHYCARDIA, STRESS-INDUCED POLYMORPHIC 1; RYR2-Related Catecholaminergic Polymorphic Ventricular Tachycardia. Identifiers: Orphanet 3286, MedGen C1631597, MONDO:0011484, OMIM 604772.

Allele frequency attached by ClinVar (database versions not stated): TOPMed below 0.00001.

Submissions (2):

Labcorp Genetics (formerly Invitae), Labcorp
Classification: Uncertain significance for Catecholaminergic polymorphic ventricular tachycardia 1. Last evaluated: 2025-11-18. Review status: criteria provided, single submitter. Criteria: Invitae Variant Classification Sherloc (09022015). Collection method: clinical testing. Allele origin: germline.
Comment: This sequence change replaces proline, which is neutral and non-polar, with arginine, which is basic and polar, at codon 2667 of the RYR2 protein (p.Pro2667Arg). This variant is not present in population databases (gnomAD no frequency). This variant has not been reported in the literature in individuals affected with RYR2-related conditions. ClinVar contains an entry for this variant (Variation ID: 847406). Invitae Evidence Modeling of protein sequence and biophysical properties (such as structural, functional, and spatial information, amino acid conservation, physicochemical variation, residue mobility, and thermodynamic stability) indicates that this missense variant is expected to disrupt RYR2 protein function with a positive predictive value of 95%. In summary, the available evidence is currently insufficient to determine the role of this variant in disease. Therefore, it has been classified as a Variant of Uncertain Significance.

Ambry Genetics
Classification: Uncertain significance for Cardiovascular phenotype. Last evaluated: 2023-01-04. Review status: criteria provided, single submitter. Criteria: Ambry Variant Classification Scheme 2023. Collection method: clinical testing. Allele origin: germline.
Comment: The p.P2667R variant (also known as c.8000C>G), located in coding exon 53 of the RYR2 gene, results from a C to G substitution at nucleotide position 8000. The proline at codon 2667 is replaced by arginine, an amino acid with dissimilar properties. This amino acid position is highly conserved in available vertebrate species. In addition, this alteration is predicted to be deleterious by in silico analysis. Since supporting evidence is limited at this time, the clinical significance of this alteration remains unclear.